The following is an entry in ClinVar:

NM_018263.6(ASXL2):c.2498C>G (p.Pro833Arg)

Gene: ASXL2 (ASXL transcriptional regulator 2; minus strand). Cytogenetic location: 2p23.3.
Variant type: single nucleotide variant.
Coding change: c.2498C>G on transcript NM_018263.6 (MANE Select); coding-DNA position 2498, C replaced by G.
Protein change: p.Pro833Arg; replaces proline 833 with arginine.
Molecular consequence: missense variant.
Genome position (GRCh38, 1-based): chr2:25,743,839, G>C on the plus strand (C>G on the coding strand, the complement: ASXL2 is on the minus strand). VCF-style: chr2-25743839-G-C. GRCh37 (hg19) VCF-style: chr2-25966708-G-C.
Other names: c.1718C>G, p.Pro573Arg (NM_001369347.1); c.2324C>G, p.Pro775Arg (NM_001369346.1); short protein forms P833R, P775R, P573R.
Identifiers: ClinVar variation 2846629 (VCV002846629.3), dbSNP rs2465306178, ClinGen allele CA346080889.

ClinVar aggregate classification (germline): Uncertain significance (1 of 4 stars; one submission).

Submission:

Labcorp Genetics (formerly Invitae), Labcorp
Classification: Uncertain significance. Last evaluated: 2023-03-17. Review status: criteria provided, single submitter. Criteria: Invitae Variant Classification Sherloc (09022015). Collection method: clinical testing. Allele origin: germline.
Comment: In summary, the available evidence is currently insufficient to determine the role of this variant in disease. Therefore, it has been classified as a Variant of Uncertain Significance. Advanced modeling of protein sequence and biophysical properties (such as structural, functional, and spatial information, amino acid conservation, physicochemical variation, residue mobility, and thermodynamic stability) performed at Invitae indicates that this missense variant is not expected to disrupt ASXL2 protein function. This variant has not been reported in the literature in individuals affected with ASXL2-related conditions. This variant is not present in population databases (gnomAD no frequency). This sequence change replaces proline, which is neutral and non-polar, with arginine, which is basic and polar, at codon 833 of the ASXL2 protein (p.Pro833Arg).